The following is an entry in ClinVar:

ClinVar aggregate classification (germline): Conflicting classifications of pathogenicity. Review status: criteria provided, conflicting classifications (1 of 4 stars). 2 submissions from 2 submitters: Uncertain significance (1); Likely benign (1). Last evaluated 2025-03-26.

Conditions:
Inborn genetic diseases. Identifiers: MedGen C0950123, MeSH D030342.

Allele frequency attached by ClinVar (database versions not stated): ExAC 0.00005; gnomAD exomes 0.00007.
gnomAD v4.1: 104 of 1,613,744 alleles (0.0064%); highest among the groups gnomAD compares: East Asian, 0.027%; no homozygotes.

Submissions (2):

Ambry Genetics
Classification: Likely benign for Inborn genetic diseases. Last evaluated: 2025-03-26. Review status: criteria provided, single submitter. Criteria: Ambry Variant Classification Scheme 2023. Collection method: clinical testing. Allele origin: germline.

Greenwood Genetic Center Diagnostic Laboratories, Greenwood Genetic Center
Classification: Uncertain significance. Last evaluated: 2023-10-10. Review status: criteria provided, single submitter. Criteria: ACMG Guidelines, 2015. Collection method: clinical testing. Allele origin: germline. Affected: yes.
Comment: PM2, BP4

NM_017951.5(SMPD4):c.190G>A (p.Val64Ile)

Gene: SMPD4 (sphingomyelin phosphodiesterase 4; minus strand). Cytogenetic location: 2q21.1.
Variant type: single nucleotide variant.
Coding change: c.190G>A on transcript NM_017951.5 (MANE Select); coding-DNA position 190, G replaced by A.
Protein change: p.Val64Ile; replaces valine 64 with isoleucine.
Molecular consequence: missense variant. On other transcripts: non-coding transcript variant (1), intron variant (1).
Genome position (GRCh38, 1-based): chr2:130,173,593, C>T on the plus strand (G>A on the coding strand, the complement: SMPD4 is on the minus strand). VCF-style: chr2-130173593-C-T. GRCh37 (hg19) VCF-style: chr2-130931166-C-T.
Other names: c.307G>A, p.Val103Ile (NM_017751.4); c.244-698G>A (NM_001171083.2); short protein forms V103I, V64I.
Identifiers: ClinVar variation 2692531 (VCV002692531.2), dbSNP rs770954294, ClinGen allele CA1870302.
Genomic context (GRCh38, chr2:130,173,593, plus strand): 5'-TCACGATGCTGTACTCCACAGGATTCACGCGCCCCTGTAAGCAGCGGAGGTTCCAGCCAA[C>T]GAGGACACCATCTAGGCTGCCAAAAATGCTTTCTACCAGCCATGGGAAGATGGTGTGCAG-3'
Protein context (NP_060421.3, residues 54-74): SIFGSLDGVL[Val64Ile]GWNLRCLQGR